The following is an entry in ClinVar:

NM_001561.6(TNFRSF9):c.286G>C (p.Gly96Arg)

Gene: TNFRSF9 (TNF receptor superfamily member 9; minus strand). Cytogenetic location: 1p36.23.
Variant type: single nucleotide variant.
Coding change: c.286G>C on transcript NM_001561.6 (MANE Select); coding-DNA position 286, G replaced by C.
Protein change: p.Gly96Arg; replaces glycine 96 with arginine.
Molecular consequence: missense variant.
Genome position (GRCh38, 1-based): chr1:7,938,253, C>G on the plus strand (G>C on the coding strand, the complement: TNFRSF9 is on the minus strand). VCF-style: chr1-7938253-C-G. GRCh37 (hg19) VCF-style: chr1-7998313-C-G.
Other names: c.286G>C (NM_001561.5); short protein forms G96R.
Identifiers: ClinVar variation 1417667 (VCV001417667.7), dbSNP rs759034075, ClinGen allele CA338160421.

ClinVar aggregate classification (germline): Uncertain significance. Review status: criteria provided, multiple submitters, no conflicts (2 of 4 stars). 2 submissions from 2 submitters: Uncertain significance (2). Last evaluated 2025-09-26.

Conditions:
Inborn genetic diseases. Identifiers: MedGen C0950123, MeSH D030342.

Allele frequency attached by ClinVar (database versions not stated): gnomAD 0.00001; TOPMed 0.00001.
gnomAD v4.1: 42 of 1,608,324 alleles (0.0026%); highest among the groups gnomAD compares: Non-Finnish European, 0.0035%; no homozygotes.

Submissions (2):

Labcorp Genetics (formerly Invitae), Labcorp
Classification: Uncertain significance. Last evaluated: 2025-09-26. Review status: criteria provided, single submitter. Criteria: Invitae Variant Classification Sherloc (09022015). Collection method: clinical testing. Allele origin: germline.
Comment: This sequence change replaces glycine, which is neutral and non-polar, with arginine, which is basic and polar, at codon 96 of the TNFRSF9 protein (p.Gly96Arg). This variant is present in population databases (no rsID available, gnomAD 0.002%). This variant has not been reported in the literature in individuals affected with TNFRSF9-related conditions. ClinVar contains an entry for this variant (Variation ID: 1417667). An algorithm developed to predict the effect of missense changes on protein structure and function (PolyPhen-2) suggests that this variant is likely to be disruptive. In summary, the available evidence is currently insufficient to determine the role of this variant in disease. Therefore, it has been classified as a Variant of Uncertain Significance.

Ambry Genetics
Classification: Uncertain significance for Inborn genetic diseases. Last evaluated: 2025-04-28. Review status: criteria provided, single submitter. Criteria: Ambry Variant Classification Scheme 2023. Collection method: clinical testing. Allele origin: germline.